The following is an entry in ClinVar:

NM_004612.4(TGFBR1):c.1219G>T (p.Val407Leu)

Gene: TGFBR1 (transforming growth factor beta receptor 1; plus strand). Cytogenetic location: 9q22.33.
Variant type: single nucleotide variant.
Coding change: c.1219G>T on transcript NM_004612.4 (MANE Select); coding-DNA position 1219, G replaced by T.
Protein change: p.Val407Leu; replaces valine 407 with leucine.
Molecular consequence: missense variant.
Genome position (GRCh38, 1-based): chr9:99,146,573, G>T. VCF-style: chr9-99146573-G-T. GRCh37 (hg19) VCF-style: chr9-101908855-G-T.
Other names: c.988G>T, p.Val330Leu (NM_001130916.3); c.1231G>T, p.Val411Leu (NM_001306210.2); short protein forms V407L, V330L, V411L.
Identifiers: ClinVar variation 520219 (VCV000520219.8), dbSNP rs146549837, ClinGen allele CA374233045.

ClinVar aggregate classification (germline): Uncertain significance. Review status: criteria provided, multiple submitters, no conflicts (2 of 4 stars). 2 submissions from 2 submitters: Uncertain significance (2). Last evaluated 2024-05-28.

Conditions:
Familial thoracic aortic aneurysm and aortic dissection (TAAD). Also called: Thoracic aortic aneurysms and dissections. Identifiers: Orphanet 91387, MedGen C4707243, MONDO:0019625.

Allele frequency attached by ClinVar (database versions not stated): gnomAD exomes below 0.00001; gnomAD 0.00001; TOPMed 0.00002.
gnomAD v4.1: 3 of 1,613,866 alleles (0.00019%); highest among the groups gnomAD compares: African/African-American, 0.004%; no homozygotes.

Submissions (2):

Labcorp Genetics (formerly Invitae), Labcorp
Classification: Uncertain significance for Familial thoracic aortic aneurysm and aortic dissection. Last evaluated: 2024-05-28. Review status: criteria provided, single submitter. Criteria: Invitae Variant Classification Sherloc (09022015). Collection method: clinical testing. Allele origin: germline.
Comment: This sequence change replaces valine, which is neutral and non-polar, with leucine, which is neutral and non-polar, at codon 407 of the TGFBR1 protein (p.Val407Leu). This variant is not present in population databases (gnomAD no frequency). This variant has not been reported in the literature in individuals affected with TGFBR1-related conditions. ClinVar contains an entry for this variant (Variation ID: 520219). Advanced modeling of protein sequence and biophysical properties (such as structural, functional, and spatial information, amino acid conservation, physicochemical variation, residue mobility, and thermodynamic stability) performed at Invitae indicates that this missense variant is expected to disrupt TGFBR1 protein function with a positive predictive value of 80%. In summary, the available evidence is currently insufficient to determine the role of this variant in disease. Therefore, it has been classified as a Variant of Uncertain Significance.

Ambry Genetics
Classification: Uncertain significance for Familial thoracic aortic aneurysm and aortic dissection. Last evaluated: 2016-04-22. Review status: criteria provided, single submitter. Criteria: Ambry Variant Classification Scheme 2023. Collection method: clinical testing. Allele origin: germline.
Comment: The p.V407L variant (also known as c.1219G>T), located in coding exon 7 of the TGFBR1 gene, results from a G to T substitution at nucleotide position 1219. The valine at codon 407 is replaced by leucine, an amino acid with highly similar properties. This variant was not reported in population based cohorts in the following databases: Database of Single Nucleotide Polymorphisms (dbSNP), NHLBI Exome Sequencing Project (ESP), and 1000 Genomes Project. In the ESP, this variant was not observed in 6503 samples (13006 alleles) with coverage at this position. This amino acid position is highly conserved in available vertebrate species. In addition, this alteration is predicted to be deleterious by in silico analysis. Since supporting evidence is limited at this time, the clinical significance of this variant remains unclear.